The following is an entry in ClinVar:

ClinVar aggregate classification (germline): Likely benign. Review status: criteria provided, multiple submitters, no conflicts (2 of 4 stars). 2 submissions from 2 submitters: Likely benign (2). Last evaluated 2025-11-17.

Conditions:
DVL1-related disorder. Also called: DVL1-related condition.

Allele frequency attached by ClinVar (database versions not stated): ESP Exome Variant Server 0.00008; ExAC 0.00009; gnomAD 0.00018 and 0.00019; TOPMed 0.00019; 1000 Genomes Project 30x 0.00047; 1000 Genomes Project 0.00060.
gnomAD v4.1: 111 of 1,599,254 alleles (0.0069%); highest among the groups gnomAD compares: African/African-American, 0.06%; no homozygotes.

Submissions (2):

Labcorp Genetics (formerly Invitae), Labcorp
Classification: Likely benign. Last evaluated: 2025-11-17. Review status: criteria provided, single submitter. Criteria: Invitae Variant Classification Sherloc (09022015). Collection method: clinical testing. Allele origin: germline.

PreventionGenetics, part of Exact Sciences
Classification: Likely benign for DVL1-related condition. Last evaluated: 2025-04-08. Review status: criteria provided, single submitter. Criteria: ACMG Guidelines, 2015. Collection method: clinical testing. Allele origin: germline.
Comment: This variant is classified as likely benign based on ACMG/AMP sequence variant interpretation guidelines (Richards et al. 2015 PMID: 25741868, with internal and published modifications).

NM_001330311.2(DVL1):c.1827G>A (p.Pro609=)

Gene: DVL1 (dishevelled segment polarity protein 1; minus strand). Cytogenetic location: 1p36.33.
Variant type: single nucleotide variant.
Coding change: c.1827G>A on transcript NM_001330311.2 (MANE Select); coding-DNA position 1827, G replaced by A.
Protein change: p.Pro609=; no amino-acid change (proline 609 retained).
Molecular consequence: synonymous variant.
Genome position (GRCh38, 1-based): chr1:1,336,403, C>T on the plus strand (G>A on the coding strand, the complement: DVL1 is on the minus strand). VCF-style: chr1-1336403-C-T. GRCh37 (hg19) VCF-style: chr1-1271783-C-T.
Other names: c.1752G>A, p.Pro584= (NM_004421.3).
Identifiers: ClinVar variation 770838 (VCV000770838.10), dbSNP rs368265757, ClinGen allele CA519814.